The following is an entry in ClinVar:

ClinVar aggregate classification (germline): Uncertain significance (1 of 4 stars; one submission).

Conditions:
DICER1-related tumor predisposition. Also called: DICER1-related pleuropulmonary blastoma cancer predisposition syndrome; DICER1 syndrome. Identifiers: Orphanet 284343, MedGen C3839822, MONDO:0100216.

Submission:

Labcorp Genetics (formerly Invitae), Labcorp
Classification: Uncertain significance for DICER1-related tumor predisposition. Last evaluated: 2017-11-04. Review status: criteria provided, single submitter. Criteria: Invitae Variant Classification Sherloc (09022015). Collection method: clinical testing. Allele origin: germline.
Comment: This sequence change replaces threonine with isoleucine at codon 1829 of the DICER1 protein (p.Thr1829Ile). The threonine residue is weakly conserved and there is a moderate physicochemical difference between threonine and isoleucine. This variant is not present in population databases (ExAC no frequency). This variant has not been reported in the literature in individuals with DICER1-related disease. Algorithms developed to predict the effect of missense changes on protein structure and function (SIFT, PolyPhen-2, Align-GVGD) all suggest that this variant is likely to be tolerated, but these predictions have not been confirmed by published functional studies and their clinical significance is uncertain. In summary, the available evidence is currently insufficient to determine the role of this variant in disease. Therefore, it has been classified as a Variant of Uncertain Significance.

NM_177438.3(DICER1):c.5486C>T (p.Thr1829Ile)

Gene: DICER1 (dicer 1, ribonuclease III; minus strand). Cytogenetic location: 14q32.13.
Variant type: single nucleotide variant.
Coding change: c.5486C>T on transcript NM_177438.3 (MANE Select); coding-DNA position 5486, C replaced by T.
Protein change: p.Thr1829Ile; replaces threonine 1829 with isoleucine.
Molecular consequence: missense variant. On other transcripts: intron variant (1).
Genome position (GRCh38, 1-based): chr14:95,091,244, G>A on the plus strand (C>T on the coding strand, the complement: DICER1 is on the minus strand). VCF-style: chr14-95091244-G-A. GRCh37 (hg19) VCF-style: chr14-95557581-G-A.
Other names: c.5486C>T, p.Thr1829Ile (NM_001271282.3, NM_001291628.2, NM_030621.4); c.5365-135C>T (NM_001195573.1); short protein forms T1829I.
Identifiers: ClinVar variation 543587 (VCV000543587.10), dbSNP rs1555366196, ClinGen allele CA390864546.